The following is an entry in ClinVar:

NM_177438.3(DICER1):c.2997T>G (p.Leu999=)

Gene: DICER1 (dicer 1, ribonuclease III; minus strand). Cytogenetic location: 14q32.13.
Variant type: single nucleotide variant.
Coding change: c.2997T>G on transcript NM_177438.3 (MANE Select); coding-DNA position 2997, T replaced by G.
Protein change: p.Leu999=; no amino-acid change (leucine 999 retained).
Molecular consequence: synonymous variant.
Genome position (GRCh38, 1-based): chr14:95,105,774, A>C on the plus strand (T>G on the coding strand, the complement: DICER1 is on the minus strand). VCF-style: chr14-95105774-A-C. GRCh37 (hg19) VCF-style: chr14-95572111-A-C.
Other names: p.Leu999=; c.2997T>G, p.Leu999= (NM_001195573.1, NM_001271282.3, NM_001291628.2 and 1 more transcripts).
Identifiers: ClinVar variation 261920 (VCV000261920.46), dbSNP rs12018992, ClinGen allele CA7331131.

ClinVar aggregate classification (germline): Benign/Likely benign. Review status: criteria provided, multiple submitters, no conflicts (2 of 4 stars). 14 submissions from 14 submitters: Benign (11); Likely benign (3). Last evaluated 2026-04-16.

Conditions:
Hereditary cancer-predisposing syndrome. Also called: Hereditary Cancer Syndrome; Tumor predisposition; Hereditary neoplastic syndrome; Neoplastic Syndromes, Hereditary. Identifiers: Orphanet 140162, MedGen C0027672, MeSH D009386, MONDO:0015356.
DICER1-related tumor predisposition. Also called: DICER1 syndrome; DICER1-related pleuropulmonary blastoma cancer predisposition syndrome. Identifiers: Orphanet 284343, MedGen C3839822, MONDO:0100216.
Pleuropulmonary blastoma (PPB). Identifiers: Orphanet 64742, MedGen C1266144, MONDO:0011014, OMIM 601200, HP:0100528.

Allele frequency attached by ClinVar (database versions not stated): gnomAD exomes 0.00164 and 0.00423; ExAC 0.00539; gnomAD 0.01637 and 0.01764; TOPMed 0.01849; ESP Exome Variant Server 0.01945; 1000 Genomes Project 0.01977; 1000 Genomes Project 30x 0.02092.
gnomAD v4.1: 5,007 of 1,613,832 alleles (0.31%); highest among the groups gnomAD compares: African/African-American, 5.7%; 121 homozygotes.

Submissions (14):

Myriad Genetics, Inc.
Classification: Benign for DICER1-related tumor predisposition. Last evaluated: 2026-04-16. Review status: criteria provided, single submitter. Criteria: Myriad Autosomal Dominant, Autosomal Recessive and X-Linked Classification Criteria (2023). Collection method: clinical testing. Allele origin: unknown.
Comment: This variant is considered benign. This variant is a silent/synonymous amino acid change and it is not expected to impact splicing.

Labcorp Genetics (formerly Invitae), Labcorp
Classification: Benign for DICER1-related tumor predisposition. Last evaluated: 2026-02-04. Review status: criteria provided, single submitter. Criteria: Invitae Variant Classification Sherloc (09022015). Collection method: clinical testing. Allele origin: germline.

ARUP Laboratories, Molecular Genetics and Genomics, ARUP Laboratories
Classification: Benign. Last evaluated: 2025-06-04. Review status: criteria provided, single submitter. Criteria: ARUP Molecular Germline Variant Investigation Process 2024. Collection method: clinical testing. Allele origin: germline.

Quest Diagnostics Nichols Institute San Juan Capistrano
Classification: Benign. Last evaluated: 2025-04-15. Review status: criteria provided, single submitter. Criteria: Quest Diagnostics criteria. Collection method: clinical testing. Allele origin: unknown.

Center for Genomic Medicine, Rigshospitalet, Copenhagen University Hospital
Classification: Benign. Last evaluated: 2025-03-04. Review status: criteria provided, single submitter. Criteria: ACMG Guidelines, 2015. Collection method: clinical testing. Allele origin: germline.

Blueprint Genetics
Classification: Likely benign. Last evaluated: 2024-11-26. Review status: criteria provided, single submitter. Criteria: ACMG Guidelines, 2015. Collection method: clinical testing. Allele origin: germline.

KCCC/NGS Laboratory, Kuwait Cancer Control Center
Classification: Benign for Pleuropulmonary blastoma. Last evaluated: 2023-07-07. Review status: criteria provided, single submitter. Criteria: ACMG Guidelines, 2015. Collection method: clinical testing. Allele origin: germline. Affected: yes.

Mayo Clinic Laboratories, Mayo Clinic
Classification: Benign. Last evaluated: 2021-05-06. Review status: criteria provided, single submitter. Criteria: ACMG Guidelines, 2015. Collection method: clinical testing. Allele origin: germline. Observed: 5 variant alleles.

Foulkes Cancer Genetics LDI, Lady Davis Institute for Medical Research
Classification: Likely benign. Last evaluated: 2019-07-01. Review status: criteria provided, single submitter. Criteria: ACMG Guidelines, 2015. Collection method: curation. Allele origin: germline. Affected: yes. Observed: 1 variant allele.
Comment: ACMG criteria met: BS1, BP1

Illumina Laboratory Services, Illumina
Classification: Benign for Pleuropulmonary blastoma. Last evaluated: 2018-01-12. Review status: criteria provided, single submitter. Criteria: ICSL Variant Classification Criteria 13 December 2019. Collection method: clinical testing. Allele origin: germline.
Comment: This variant was observed in the ICSL laboratory as part of a predisposition screen in an ostensibly healthy population. It had not been previously curated by ICSL or reported in the Human Gene Mutation Database (HGMD: prior to June 1st, 2018), and was therefore a candidate for classification through an automated scoring system. Utilizing variant allele frequency, disease prevalence and penetrance estimates, and inheritance mode, an automated score was calculated to assess if this variant is too frequent to cause the disease. Based on the score and internal cut-off values, a variant classified as benign is not then subjected to further curation. The score for this variant resulted in a classification of benign for this disease.

PreventionGenetics, part of Exact Sciences
Classification: Benign. Last evaluated: 2017-08-22. Review status: criteria provided, single submitter. Criteria: ACMG Guidelines, 2015. Collection method: clinical testing. Allele origin: germline.

GeneDx
Classification: Benign. Last evaluated: 2017-02-04. Review status: criteria provided, single submitter. Criteria: GeneDx Variant Classification (06012015). Collection method: clinical testing. Allele origin: germline. Affected: yes.
Comment: This variant is considered likely benign or benign based on one or more of the following criteria: it is a conservative change, it occurs at a poorly conserved position in the protein, it is predicted to be benign by multiple in silico algorithms, and/or has population frequency not consistent with disease.

Ambry Genetics
Classification: Benign for Hereditary cancer-predisposing syndrome. Last evaluated: 2016-09-09. Review status: criteria provided, single submitter. Criteria: Ambry Variant Classification Scheme 2023. Collection method: clinical testing. Allele origin: germline.

Breakthrough Genomics
Classification: Likely benign. Review status: criteria provided, single submitter. Criteria: ACMG Guidelines, 2015. Collection method: not provided. Allele origin: germline. Inheritance: Autosomal dominant inheritance. Affected: yes.

Literature cited by the submitters: PubMed 29474644 (cited by Foulkes Cancer Genetics LDI, Lady Davis Institute for Medical Research).